The following is an entry in ClinVar:

NM_000069.3(CACNA1S):c.3527G>A (p.Gly1176Asp)

Gene: CACNA1S (calcium voltage-gated channel subunit alpha1 S; minus strand). Cytogenetic location: 1q32.1.
Variant type: single nucleotide variant.
Coding change: c.3527G>A on transcript NM_000069.3 (MANE Select); coding-DNA position 3527, G replaced by A.
Protein change: p.Gly1176Asp; replaces glycine 1176 with aspartic acid.
Molecular consequence: missense variant.
Genome position (GRCh38, 1-based): chr1:201,058,490, C>T on the plus strand (G>A on the coding strand, the complement: CACNA1S is on the minus strand). VCF-style: chr1-201058490-C-T. GRCh37 (hg19) VCF-style: chr1-201027618-C-T.
Other names: short protein forms G1176D.
Identifiers: ClinVar variation 3075188 (VCV003075188.1), dbSNP rs761972441, ClinGen allele CA082610.

ClinVar aggregate classification (germline): Uncertain significance (1 of 4 stars; one submission).

Conditions:
Malignant hyperthermia, susceptibility to, 5 (MHS5). Also called: CACNA1S-Related Malignant Hyperthermia Susceptibility. Identifiers: Orphanet 423, MedGen C1866077, MONDO:0011163, OMIM 601887.

Allele frequency attached by ClinVar (database versions not stated): ExAC 0.00001.

Submission:

All of Us Research Program, National Institutes of Health
Classification: Uncertain significance for Malignant hyperthermia, susceptibility to, 5. Last evaluated: 2023-12-18. Review status: criteria provided, single submitter. Criteria: ACMG Guidelines, 2015. Collection method: clinical testing. Allele origin: germline. Inheritance: Autosomal dominant inheritance. Observed: 1 variant allele, 1 heterozygote.
Comment: This missense variant replaces glycine with aspartic acid at codon 1176 of the CACNA1S protein. Computational prediction suggests that this variant may have deleterious impact on protein structure and function (internally defined REVEL score threshold >= 0.7, PMID: 27666373). To our knowledge, functional studies have not been reported for this variant. This variant has not been reported in individuals affected with CACNA1S-related disorders in the literature. This variant has been identified in 1/251412 chromosomes in the general population by the Genome Aggregation Database (gnomAD). The available evidence is insufficient to determine the role of this variant in disease conclusively. Therefore, this variant is classified as a Variant of Uncertain Significance.

This study involves interpretation of variants in research participants for the purpose of population health screening. Participant phenotype was not available at the time of variant classification. Additional details can be found in publication PMID: 35346344, PMCID: PMC8962531